The following is an entry in ClinVar:

NM_198578.4(LRRK2):c.1622A>G (p.Asp541Gly)

Gene: LRRK2 (leucine rich repeat kinase 2; plus strand). Cytogenetic location: 12q12.
Variant type: single nucleotide variant.
Coding change: c.1622A>G on transcript NM_198578.4 (MANE Select); coding-DNA position 1622, A replaced by G.
Protein change: p.Asp541Gly; replaces aspartic acid 541 with glycine.
Molecular consequence: missense variant.
Genome position (GRCh38, 1-based): chr12:40,263,867, A>G. VCF-style: chr12-40263867-A-G. GRCh37 (hg19) VCF-style: chr12-40657669-A-G.
Other names: short protein forms D541G.
Identifiers: ClinVar variation 3540553 (VCV003540553.1).

ClinVar aggregate classification (germline): Uncertain significance (1 of 4 stars; one submission).

Conditions:
Inborn genetic diseases. Identifiers: MedGen C0950123, MeSH D030342.

Submission:

Ambry Genetics
Classification: Uncertain significance for Inborn genetic diseases. Last evaluated: 2024-06-25. Review status: criteria provided, single submitter. Criteria: Ambry Variant Classification Scheme 2023. Collection method: clinical testing. Allele origin: germline.
Comment: The p.D541G variant (also known as c.1622A>G), located in coding exon 14 of the LRRK2 gene, results from an A to G substitution at nucleotide position 1622. The aspartic acid at codon 541 is replaced by glycine, an amino acid with similar properties. This amino acid position is conserved. In addition, this alteration is predicted to be tolerated by in silico analysis. Based on the available evidence, the clinical significance of this variant remains unclear.